The following is an entry in ClinVar:

ClinVar aggregate classification (germline): Benign (3 of 4 stars; one submission).

Conditions:
Breast-ovarian cancer, familial, susceptibility to, 1 (BROVCA1). Also called: BRCA1 Hereditary Breast and Ovarian Cancer; OVARIAN CANCER, SUSCEPTIBILITY TO. Identifiers: Orphanet 145, MedGen C2676676, MONDO:0011450, OMIM 604370. Disease mechanism: loss of function.

Allele frequency attached by ClinVar (database versions not stated): TOPMed 0.28274; gnomAD 0.29083 and 0.29950; 1000 Genomes Project 30x 0.32901; 1000 Genomes Project 0.33486.
gnomAD v4.1: 45,601 of 152,134 alleles (30%); highest among the groups gnomAD compares: South Asian, 49%; 7,396 homozygotes.

Submission:

Evidence-based Network for the Interpretation of Germline Mutant Alleles (ENIGMA)
Classification: Benign for Breast-ovarian cancer, familial 1. Last evaluated: 2015-01-12. Review status: reviewed by expert panel. Criteria: ENIGMA BRCA1/2 Classification Criteria (2015). Collection method: curation. Allele origin: germline.
Comment: Class 1 not pathogenic based on frequency >1% in an outbred sampleset. Frequency 0.3269 (Asian), 0.126 (African), 0.3562 (European), derived from 1000 genomes (2012-04-30).

NM_007294.4(BRCA1):c.4358-1745T>C

Gene: BRCA1 (BRCA1 DNA repair associated; minus strand). Cytogenetic location: 17q21.31.
Variant type: single nucleotide variant.
Coding change: c.4358-1745T>C on transcript NM_007294.4 (MANE Select); 1745 bases into the intron before coding-DNA position 4358, T replaced by C.
Molecular consequence: intron variant.
Genome position (GRCh38, 1-based): chr17:43,078,359, A>G on the plus strand (T>C on the coding strand, the complement: BRCA1 is on the minus strand). VCF-style: chr17-43078359-A-G. GRCh37 (hg19) VCF-style: chr17-41230376-A-G.
Other names: IVS 13-1745T>C; c.4214-1745T>C (NM_001407740.1, NM_001407741.1, NM_001407747.1 and 11 more transcripts); c.785-1745T>C (NM_001408499.1, NM_001408498.1, NM_001408501.1 and 3 more transcripts); c.4091-1745T>C (NM_001407933.1, NM_001407931.1, NM_001407932.1 and 1 more transcripts); c.4094-1748T>C (NM_001407927.1, NM_001407928.1, NM_001407929.1); c.4094-1745T>C (NM_001407923.1, NM_001407922.1, NM_001407925.1 and 4 more transcripts); c.4217-1748T>C (NM_001407739.1, NM_001407737.1, NM_001407738.1 and 7 more transcripts); c.4217-1745T>C (NM_001407725.1, NM_001407727.1, NM_001407724.1 and 13 more transcripts); and 99 more.
Identifiers: ClinVar variation 209391 (VCV000209391.2), dbSNP rs8176200, ClinGen allele CA276363.